The following is an entry in ClinVar:

NM_000057.4(BLM):c.754G>C (p.Ala252Pro)

Gene: BLM (BLM RecQ like helicase; plus strand). Cytogenetic location: 15q26.1.
Variant type: single nucleotide variant.
Coding change: c.754G>C on transcript NM_000057.4 (MANE Select); coding-DNA position 754, G replaced by C.
Protein change: p.Ala252Pro; replaces alanine 252 with proline.
Molecular consequence: missense variant. On other transcripts: 5 prime UTR variant (1).
Genome position (GRCh38, 1-based): chr15:90,750,022, G>C. VCF-style: chr15-90750022-G-C. GRCh37 (hg19) VCF-style: chr15-91293252-G-C.
Other names: c.754G>C, p.Ala252Pro (NM_001287246.2, NM_001287247.2); c.-538G>C (NM_001287248.2); short protein forms A252P.
Identifiers: ClinVar variation 1759483 (VCV001759483.7), dbSNP rs1895638377, ClinGen allele CA393841487.

ClinVar aggregate classification (germline): Uncertain significance. Review status: criteria provided, multiple submitters, no conflicts (2 of 4 stars). 2 submissions from 2 submitters: Uncertain significance (2). Last evaluated 2025-06-08.

Conditions:
Hereditary cancer-predisposing syndrome. Also called: Neoplastic Syndromes, Hereditary; Tumor predisposition; Hereditary Cancer Syndrome; Hereditary neoplastic syndrome. Identifiers: Orphanet 140162, MedGen C0027672, MeSH D009386, MONDO:0015356.
Bloom syndrome (BLM). Also called: Bloom-Torre-Machacek syndrome. Identifiers: Orphanet 125, MedGen C0005859, MONDO:0008876, OMIM 210900.

Submissions (2):

Labcorp Genetics (formerly Invitae), Labcorp
Classification: Uncertain significance for Bloom syndrome. Last evaluated: 2025-06-08. Review status: criteria provided, single submitter. Criteria: Invitae Variant Classification Sherloc (09022015). Collection method: clinical testing. Allele origin: germline.
Comment: This sequence change replaces alanine, which is neutral and non-polar, with proline, which is neutral and non-polar, at codon 252 of the BLM protein (p.Ala252Pro). This variant is not present in population databases (gnomAD no frequency). This variant has not been reported in the literature in individuals affected with BLM-related conditions. ClinVar contains an entry for this variant (Variation ID: 1759483). An algorithm developed to predict the effect of missense changes on protein structure and function outputs the following: PolyPhen-2: "Benign". The proline amino acid residue is found in multiple mammalian species, which suggests that this missense change does not adversely affect protein function. In summary, the available evidence is currently insufficient to determine the role of this variant in disease. Therefore, it has been classified as a Variant of Uncertain Significance.

Ambry Genetics
Classification: Uncertain significance for Hereditary cancer-predisposing syndrome. Last evaluated: 2024-01-25. Review status: criteria provided, single submitter. Criteria: Ambry Variant Classification Scheme 2023. Collection method: clinical testing. Allele origin: germline.
Comment: The p.A252P variant (also known as c.754G>C), located in coding exon 2 of the BLM gene, results from a G to C substitution at nucleotide position 754. The alanine at codon 252 is replaced by proline, an amino acid with highly similar properties. This amino acid position is conserved. In addition, this alteration is predicted to be tolerated by in silico analysis. Since supporting evidence is limited at this time, the clinical significance of this alteration remains unclear.